The following is an entry in ClinVar:

ClinVar aggregate classification (germline): Uncertain significance (1 of 4 stars; one submission).

Allele frequency attached by ClinVar (database versions not stated): gnomAD 0.00001; TOPMed 0.00001.
gnomAD v4.1: 12 of 1,613,950 alleles (0.00074%); highest among the groups gnomAD compares: African/African-American, 0.0027%; no homozygotes.

Submission:

Labcorp Genetics (formerly Invitae), Labcorp
Classification: Uncertain significance. Last evaluated: 2024-02-26. Review status: criteria provided, single submitter. Criteria: Invitae Variant Classification Sherloc (09022015). Collection method: clinical testing. Allele origin: germline.
Comment: This sequence change replaces arginine, which is basic and polar, with cysteine, which is neutral and slightly polar, at codon 4124 of the HMCN1 protein (p.Arg4124Cys). This variant is present in population databases (rs760181577, gnomAD 0.007%). This variant has not been reported in the literature in individuals affected with HMCN1-related conditions. ClinVar contains an entry for this variant (Variation ID: 2179588). An algorithm developed to predict the effect of missense changes on protein structure and function (PolyPhen-2) suggests that this variant is likely to be disruptive. In summary, the available evidence is currently insufficient to determine the role of this variant in disease. Therefore, it has been classified as a Variant of Uncertain Significance.

NM_031935.3(HMCN1):c.12370C>T (p.Arg4124Cys)

Gene: HMCN1 (hemicentin 1; plus strand). Cytogenetic location: 1q31.1.
Variant type: single nucleotide variant.
Coding change: c.12370C>T on transcript NM_031935.3 (MANE Select); coding-DNA position 12370, C replaced by T.
Protein change: p.Arg4124Cys; replaces arginine 4124 with cysteine.
Molecular consequence: missense variant.
Genome position (GRCh38, 1-based): chr1:186,123,091, C>T. VCF-style: chr1-186123091-C-T. GRCh37 (hg19) VCF-style: chr1-186092223-C-T.
Other names: short protein forms R4124C.
Identifiers: ClinVar variation 2179588 (VCV002179588.4), dbSNP rs760181577, ClinGen allele CA1294343.